The following is an entry in ClinVar:

NM_000132.4(F8):c.484G>A (p.Glu162Lys)

Gene: F8 (coagulation factor VIII; minus strand). Cytogenetic location: Xq28.
Variant type: single nucleotide variant.
Coding change: c.484G>A on transcript NM_000132.4 (MANE Select); coding-DNA position 484, G replaced by A.
Protein change: p.Glu162Lys; replaces glutamic acid 162 with lysine.
Molecular consequence: missense variant.
Genome position (GRCh38, 1-based): chrX:154,993,053, C>T on the plus strand (G>A on the coding strand, the complement: F8 is on the minus strand). VCF-style: chrX-154993053-C-T. GRCh37 (hg19) VCF-style: chrX-154221328-C-T.
Other names: c.484G>A (NM_000132.3); short protein forms E162K.
Identifiers: ClinVar variation 3339696 (VCV003339696.2).
Genomic context (GRCh38, chrX:154,993,053, plus strand): 5'-CCACATGAGAAAGATATGAGTAGGTAAGGCACAGTGGGTCAGAGGCCATTGGACCATTCT[C>T]TTTCAGGACCTGCCAGACATATGTATGGCTTCCACCAGGGAAGACTTTATCATCTTCTTT-3'
Protein context (NP_000123.1, residues 152-172): SHTYVWQVLK[Glu162Lys]NGPMASDPLC

ClinVar aggregate classification (germline): Uncertain significance. Review status: criteria provided, multiple submitters, no conflicts (2 of 4 stars). 2 submissions from 2 submitters: Uncertain significance (2). Last evaluated 2025-04-09.

Submissions (2):

GeneDx
Classification: Uncertain significance. Last evaluated: 2025-04-09. Review status: criteria provided, single submitter. Criteria: GeneDx Variant Classification Process June 2021. Collection method: clinical testing. Allele origin: germline. Affected: yes.
Comment: Reported in the published literature in a patient with mild hemophilia A (PMID: 16128892); Not observed at significant frequency in large population cohorts (gnomAD); In silico analysis supports that this missense variant has a deleterious effect on protein structure/function; This variant is associated with the following publications: (PMID: Meireles2020[preprint], 19473423, 16128892)

Women's Health and Genetics/Laboratory Corporation of America, LabCorp
Classification: Uncertain significance. Last evaluated: 2024-06-07. Review status: criteria provided, single submitter. Criteria: LabCorp Variant Classification Summary - May 2015. Collection method: clinical testing. Allele origin: germline.
Comment: Variant summary: F8 c.484G>A (p.Glu162Lys) results in a conservative amino acid change located in the Multicopper oxidase-like, N-terminal (IPR011707) of the encoded protein sequence. Three of five in-silico tools predict a benign effect of the variant on protein function. The variant was absent in 183427 control chromosomes. The available data on variant occurrences in the general population are insufficient to allow any conclusion about variant significance. c.484G>A has been reported in the literature in individuals affected with Factor VIII Deficiency (Hemophilia A) (Jayandharan_2005). These data do not allow any conclusion about variant significance. To our knowledge, no experimental evidence demonstrating an impact on protein function has been reported. The following publication have been ascertained in the context of this evaluation (PMID: 16128892).No submitters have cited clinical-significance assessments for this variant to ClinVar. Based on the evidence outlined above, the variant was classified as uncertain significance.

Literature cited by the submitters: PubMed 16128892 (cited by Women's Health and Genetics/Laboratory Corporation of America, LabCorp).